The following is an entry in ClinVar:

ClinVar aggregate classification (germline): Uncertain significance (1 of 4 stars; one submission).

Conditions:
Epileptic encephalopathy. Identifiers: MedGen C0543888, HP:0200134.

Allele frequency attached by ClinVar (database versions not stated): TOPMed below 0.00001.
gnomAD v4.1: 36 of 1,613,950 alleles (0.0022%); highest among the groups gnomAD compares: Non-Finnish European, 0.003%; no homozygotes.

Submission:

Labcorp Genetics (formerly Invitae), Labcorp
Classification: Uncertain significance for Epileptic encephalopathy. Last evaluated: 2020-03-26. Review status: criteria provided, single submitter. Criteria: Invitae Variant Classification Sherloc (09022015). Collection method: clinical testing. Allele origin: germline.
Comment: Algorithms developed to predict the effect of missense changes on protein structure and function (SIFT, PolyPhen-2, Align-GVGD) all suggest that this variant is likely to be disruptive, but these predictions have not been confirmed by published functional studies and their clinical significance is uncertain. In summary, the available evidence is currently insufficient to determine the role of this variant in disease. Therefore, it has been classified as a Variant of Uncertain Significance. This variant has not been reported in the literature in individuals with RYR3-related conditions. This variant is not present in population databases (ExAC no frequency). This sequence change replaces arginine with glutamine at codon 1100 of the RYR3 protein (p.Arg1100Gln). The arginine residue is highly conserved and there is a small physicochemical difference between arginine and glutamine.

NM_001036.6(RYR3):c.3299G>A (p.Arg1100Gln)

Gene: RYR3 (ryanodine receptor 3; plus strand). Cytogenetic location: 15q14.
Variant type: single nucleotide variant.
Coding change: c.3299G>A on transcript NM_001036.6 (MANE Select); coding-DNA position 3299, G replaced by A.
Protein change: p.Arg1100Gln; replaces arginine 1100 with glutamine.
Molecular consequence: missense variant.
Genome position (GRCh38, 1-based): chr15:33,635,737, G>A. VCF-style: chr15-33635737-G-A. GRCh37 (hg19) VCF-style: chr15-33927938-G-A.
Other names: c.3299G>A, p.Arg1100Gln (NM_001243996.4); short protein forms R1100Q.
Identifiers: ClinVar variation 1038363 (VCV001038363.8), dbSNP rs1566835895, ClinGen allele CA391575294.
Genomic context (GRCh38, chr15:33,635,737, plus strand): 5'-ATGCAGTGAGATCTGGAAAGTGGTATTTTGAGTTTGAAGTGGTGACTGGAGGAGACATGC[G>A]AGTCGGCTGGGCGAGGCCAGGCTGTCGACCTGATGTCGAGCTGGGGGCCGATGACCAAGC-3'
Protein context (NP_001027.3, residues 1090-1110): EFEVVTGGDM[Arg1100Gln]VGWARPGCRP